The following is an entry in ClinVar:

ClinVar aggregate classification (germline): Uncertain significance (1 of 4 stars; one submission).

Conditions:
Hypertrophic cardiomyopathy 9. Also called: Familial hypertrophic cardiomyopathy 9. Identifiers: MedGen C1861065, MONDO:0013412, OMIM 613765.

Submission:

CGC Genetics, Unilabs
Classification: Uncertain significance for Hypertrophic cardiomyopathy 9. Last evaluated: 2025-02-03. Review status: criteria provided, single submitter. Criteria: ACMG Guidelines, 2015. Collection method: clinical testing. Allele origin: unknown. Inheritance: Autosomal dominant inheritance. Affected: yes.
Comment: The NM_133378.4:c.87415+5G>A p.? variant, detected in heterozygosity in intron 291 (A-band) of the TTN gene (chr.2), has not been described in the literature or in the gnomAD population database at the time of this submission. It is located in a moderately conserved nucleotide and bioinformatic analysis suggests a possible impact on splicing. Although intron 291 has a PSI score of 100, the association of the TTN gene with HCM is currently limited, therefore it should be classified as a variant of unknown clinical significance.

NM_001267550.2(TTN):c.95119+5G>A

Genes: TTN (titin; minus strand), TTN-AS1 (TTN antisense RNA 1; plus strand). Cytogenetic location: 2q31.2.
Variant type: single nucleotide variant.
Coding change: c.95119+5G>A on transcript NM_001267550.2 (MANE Select); 5 bases into the intron after coding-DNA position 95119, G replaced by A.
Molecular consequence: intron variant.
Genome position (GRCh38, 1-based): chr2:178,546,207, C>T on the plus strand (G>A on the coding strand, the complement: TTN is on the minus strand). VCF-style: chr2-178546207-C-T. GRCh37 (hg19) VCF-style: chr2-179410934-C-T.
Other names: c.67924+5G>A (NM_003319.4); c.68500+5G>A (NM_133437.4); c.68299+5G>A (NM_133432.3); c.87415+5G>A (NM_133378.4); c.90196+5G>A (NM_001256850.1).
Identifiers: ClinVar variation 3764513 (VCV003764513.2).